The following is an entry in ClinVar:

NM_006734.4(HIVEP2):c.4961A>G (p.Tyr1654Cys)

Gene: HIVEP2 (HIVEP zinc finger 2; minus strand). Cytogenetic location: 6q24.2.
Variant type: single nucleotide variant.
Coding change: c.4961A>G on transcript NM_006734.4 (MANE Select); coding-DNA position 4961, A replaced by G.
Protein change: p.Tyr1654Cys; replaces tyrosine 1654 with cysteine.
Molecular consequence: missense variant.
Genome position (GRCh38, 1-based): chr6:142,769,778, T>C on the plus strand (A>G on the coding strand, the complement: HIVEP2 is on the minus strand). VCF-style: chr6-142769778-T-C. GRCh37 (hg19) VCF-style: chr6-143090915-T-C.
Other names: c.4961A>G (NM_006734.3); short protein forms Y1654C.
Identifiers: ClinVar variation 2153066 (VCV002153066.5), dbSNP rs779169052, ClinGen allele CA4027978.

ClinVar aggregate classification (germline): Conflicting classifications of pathogenicity. Review status: criteria provided, conflicting classifications (1 of 4 stars). 2 submissions from 2 submitters: Uncertain significance (1); Likely benign (1). Last evaluated 2022-03-28.

Conditions:
Inborn genetic diseases. Identifiers: MedGen C0950123, MeSH D030342.

Allele frequency attached by ClinVar (database versions not stated): gnomAD 0.00001; ExAC 0.00002; gnomAD exomes 0.00002; TOPMed 0.00002.

Submissions (2):

Labcorp Genetics (formerly Invitae), Labcorp
Classification: Uncertain significance. Last evaluated: 2022-03-28. Review status: criteria provided, single submitter. Criteria: Invitae Variant Classification Sherloc (09022015). Collection method: clinical testing. Allele origin: germline.
Comment: This variant is present in population databases (rs779169052, gnomAD 0.005%). This sequence change replaces tyrosine, which is neutral and polar, with cysteine, which is neutral and slightly polar, at codon 1654 of the HIVEP2 protein (p.Tyr1654Cys). This variant has not been reported in the literature in individuals affected with HIVEP2-related conditions. Algorithms developed to predict the effect of missense changes on protein structure and function (SIFT, PolyPhen-2, Align-GVGD) all suggest that this variant is likely to be disruptive. In summary, the available evidence is currently insufficient to determine the role of this variant in disease. Therefore, it has been classified as a Variant of Uncertain Significance.

Ambry Genetics
Classification: Likely benign for Inborn genetic diseases. Last evaluated: 2021-06-08. Review status: criteria provided, single submitter. Criteria: Ambry Variant Classification Scheme 2023. Collection method: clinical testing. Allele origin: germline.